The following is an entry in ClinVar:

ClinVar aggregate classification (germline): Uncertain significance (0 of 4 stars; one submission).

Allele frequency attached by ClinVar (database versions not stated): gnomAD exomes below 0.00001; TOPMed below 0.00001; gnomAD 0.00001.
gnomAD v4.1: 6 of 1,613,276 alleles (0.00037%); highest among the groups gnomAD compares: East Asian, 0.0022%; no homozygotes.

Submission:

Martin Pollak Laboratory,  Beth Israel Deaconess Medical Center
Classification: Uncertain significance. Review status: no assertion criteria provided. Collection method: not provided. Allele origin: unknown.
Comment: Higher UCa2+ group
ClinVar note: Converted during submission from unknown to Uncertain significance.

NM_022911.3(SLC26A6):c.1566G>A (p.Thr522=)

Gene: SLC26A6 (solute carrier family 26 member 6; minus strand). Cytogenetic location: 3p21.31.
Variant type: single nucleotide variant.
Coding change: c.1566G>A on transcript NM_022911.3 (MANE Select); coding-DNA position 1566, G replaced by A.
Protein change: p.Thr522=; no amino-acid change (threonine 522 retained).
Molecular consequence: synonymous variant.
Genome position (GRCh38, 1-based): chr3:48,629,675, C>T on the plus strand (G>A on the coding strand, the complement: SLC26A6 is on the minus strand). VCF-style: chr3-48629675-C-T. GRCh37 (hg19) VCF-style: chr3-48667108-C-T.
Other names: c.1503G>A, p.Thr501= (NM_001040454.1); c.1458G>A, p.Thr486= (NM_001281732.2); c.1245G>A, p.Thr415= (NM_001281733.2); c.1566G>A, p.Thr522= (NM_134263.3, NM_134426.3).
Identifiers: ClinVar variation 64450 (VCV000064450.2), dbSNP rs387907501, ClinGen allele CA216169.